The following is an entry in ClinVar:

ClinVar aggregate classification (germline): Pathogenic (1 of 4 stars; one submission).

Conditions:
Osteogenesis imperfecta type I (OI1). Also called: OI, TYPE I; OSTEOGENESIS IMPERFECTA TARDA; OSTEOGENESIS IMPERFECTA WITH BLUE SCLERAE; Osteogenesis imperfecta type 1; Lobstein's Disease; Lobstein disease. Identifiers: Orphanet 216796, Orphanet 666, MedGen C0023931, MONDO:0008146, OMIM 166200. Disease mechanism: loss of function.

Submission:

Clinical Genetics and Genomics, Karolinska University Hospital
Classification: Pathogenic for Osteogenesis imperfecta type I. Last evaluated: 2026-04-07. Review status: criteria provided, single submitter. Criteria: ACMG Guidelines, 2015. Collection method: clinical testing. Allele origin: unknown. Affected: yes.
Comment: This nonsense variant creates a premature stop signal in the COL1A1 gene. It is expected to lead to a loss of protein function (PMID: 16199547), and loss-of-function variants in COL1A1 are known to be pathogenic (PMID: 7942841, 9295084, 9443882). This variant is not present in population databases (gnomAD no frequency).

NM_000088.4(COL1A1):c.3974G>A (p.Trp1325Ter)

Gene: COL1A1 (collagen type I alpha 1 chain; minus strand). Cytogenetic location: 17q21.33.
Variant type: single nucleotide variant.
Coding change: c.3974G>A on transcript NM_000088.4 (MANE Select); coding-DNA position 3974, G replaced by A.
Protein change: p.Trp1325Ter; replaces tryptophan 1325 with a stop codon.
Molecular consequence: nonsense.
Genome position (GRCh38, 1-based): chr17:50,186,348, C>T on the plus strand (G>A on the coding strand, the complement: COL1A1 is on the minus strand). VCF-style: chr17-50186348-C-T. GRCh37 (hg19) VCF-style: chr17-48263709-C-T.
Other names: short protein forms W1325*.
Identifiers: ClinVar variation 4850909 (VCV004850909.1).